The following is an entry in ClinVar:

ClinVar aggregate classification (germline): Uncertain significance (1 of 4 stars; one submission).

Allele frequency attached by ClinVar (database versions not stated): gnomAD 0.00001; TOPMed 0.00002; gnomAD exomes 0.00003; ExAC 0.00007.
gnomAD v4.1: 56 of 1,613,916 alleles (0.0035%); highest among the groups gnomAD compares: South Asian, 0.02%; 1 homozygote.

Submission:

Labcorp Genetics (formerly Invitae), Labcorp
Classification: Uncertain significance. Last evaluated: 2022-07-15. Review status: criteria provided, single submitter. Criteria: Invitae Variant Classification Sherloc (09022015). Collection method: clinical testing. Allele origin: germline.
Comment: In summary, the available evidence is currently insufficient to determine the role of this variant in disease. Therefore, it has been classified as a Variant of Uncertain Significance. Algorithms developed to predict the effect of missense changes on protein structure and function (SIFT, PolyPhen-2, Align-GVGD) all suggest that this variant is likely to be tolerated. This variant has not been reported in the literature in individuals affected with TMEM199-related conditions. This variant is present in population databases (rs782046313, gnomAD 0.02%). This sequence change replaces arginine, which is basic and polar, with glutamine, which is neutral and polar, at codon 117 of the TMEM199 protein (p.Arg117Gln).

NM_152464.3(VMA12):c.350G>A (p.Arg117Gln)

Gene: VMA12 (vacuolar ATPase assembly factor VMA12; plus strand). Cytogenetic location: 17q11.2.
Variant type: single nucleotide variant.
Coding change: c.350G>A on transcript NM_152464.3 (MANE Select); coding-DNA position 350, G replaced by A.
Protein change: p.Arg117Gln; replaces arginine 117 with glutamine.
Molecular consequence: missense variant.
Genome position (GRCh38, 1-based): chr17:28,359,379, G>A. VCF-style: chr17-28359379-G-A. GRCh37 (hg19) VCF-style: chr17-26686402-G-A.
Other names: short protein forms R117Q.
Identifiers: ClinVar variation 2052366 (VCV002052366.2), dbSNP rs782046313, ClinGen allele CA8457052.